The following is an entry in ClinVar:

ClinVar aggregate classification (germline): Uncertain significance (1 of 4 stars; one submission).

gnomAD v4.1: 85 of 1,537,074 alleles (0.0055%); highest among the groups gnomAD compares: Non-Finnish European, 0.0071%; no homozygotes.

Submission:

GeneDx
Classification: Uncertain significance. Last evaluated: 2024-02-15. Review status: criteria provided, single submitter. Criteria: GeneDx Variant Classification Process June 2021. Collection method: clinical testing. Allele origin: germline. Affected: yes.
Comment: In silico analysis supports that this missense variant does not alter protein structure/function; Has not been previously published as pathogenic or benign to our knowledge

NM_001378183.1(PIEZO2):c.1448G>A (p.Ser483Asn)

Gene: PIEZO2 (piezo type mechanosensitive ion channel component 2; minus strand). Cytogenetic location: 18p11.22.
Variant type: single nucleotide variant.
Coding change: c.1448G>A on transcript NM_001378183.1 (MANE Select); coding-DNA position 1448, G replaced by A.
Protein change: p.Ser483Asn; replaces serine 483 with asparagine.
Molecular consequence: missense variant.
Genome position (GRCh38, 1-based): chr18:10,797,453, C>T on the plus strand (G>A on the coding strand, the complement: PIEZO2 is on the minus strand). VCF-style: chr18-10797453-C-T. GRCh37 (hg19) VCF-style: chr18-10797451-C-T.
Other names: c.1448G>A, p.Ser483Asn (NM_001410871.1, NM_022068.4); short protein forms S483N.
Identifiers: ClinVar variation 3369209 (VCV003369209.1).